The following is an entry in ClinVar:

ClinVar aggregate classification (germline): Uncertain significance (1 of 4 stars; one submission).

gnomAD v4.1: 4 of 1,482,514 alleles (0.00027%); highest among the groups gnomAD compares: Middle Eastern, 0.02%; no homozygotes.

Submission:

Labcorp Genetics (formerly Invitae), Labcorp
Classification: Uncertain significance. Last evaluated: 2025-07-30. Review status: criteria provided, single submitter. Criteria: Invitae Variant Classification Sherloc (09022015). Collection method: clinical testing. Allele origin: germline.
Comment: This sequence change replaces serine, which is neutral and polar, with proline, which is neutral and non-polar, at codon 490 of the CAMK2B protein (p.Ser490Pro). This variant is present in population databases (no rsID available, gnomAD 0.002%). This variant has not been reported in the literature in individuals affected with CAMK2B-related conditions. An algorithm developed to predict the effect of missense changes on protein structure and function (PolyPhen-2) suggests that this variant is likely to be tolerated. In summary, the available evidence is currently insufficient to determine the role of this variant in disease. Therefore, it has been classified as a Variant of Uncertain Significance.

NM_001220.5(CAMK2B):c.1468T>C (p.Ser490Pro)

Gene: CAMK2B (calcium/calmodulin dependent protein kinase II beta; minus strand). Cytogenetic location: 7p13.
Variant type: single nucleotide variant.
Coding change: c.1468T>C on transcript NM_001220.5 (MANE Select); coding-DNA position 1468, T replaced by C.
Protein change: p.Ser490Pro; replaces serine 490 with proline.
Molecular consequence: missense variant. On other transcripts: intron variant (8).
Genome position (GRCh38, 1-based): chr7:44,228,796, A>G on the plus strand (T>C on the coding strand, the complement: CAMK2B is on the minus strand). VCF-style: chr7-44228796-A-G. GRCh37 (hg19) VCF-style: chr7-44268395-A-G.
Other names: c.947-7895T>C (NM_172084.3); c.1150+2210T>C (NM_172080.3); c.1036+2210T>C (NM_172083.3); c.1108+2210T>C (NM_172081.3); c.1153+2210T>C (NM_172079.3, NM_172082.3); c.1225+2210T>C (NM_001293170.2, NM_172078.3); short protein forms S490P.
Identifiers: ClinVar variation 4740832 (VCV004740832.1).
Genomic context (GRCh38, chr7:44,228,796, plus strand): 5'-CGGCCATTCGCAGGGAGCTGTCCGGCAGCAGAGGCGGCAGGCCTGGGGGCCACTACTTAC[A>G]CGGGGAGGACAGGGGGCCTAGGAGAGCCGGAGACAGGCAGGGCGGGGGCCCCGCTGAGAG-3'
Protein context (NP_001211.3, residues 480-500): PALLGPLSSP[Ser490Pro]PRISDILNSV